The following is an entry in ClinVar:

ClinVar aggregate classification (germline): Uncertain significance (1 of 4 stars; one submission).

Allele frequency attached by ClinVar (database versions not stated): gnomAD 0.00001; TOPMed 0.00001.
gnomAD v4.1: 1 of 1,613,860 alleles (0.000062%); highest among the groups gnomAD compares: Non-Finnish European, 0.000085%; no homozygotes.

Submission:

Labcorp Genetics (formerly Invitae), Labcorp
Classification: Uncertain significance. Last evaluated: 2022-12-09. Review status: criteria provided, single submitter. Criteria: Invitae Variant Classification Sherloc (09022015). Collection method: clinical testing. Allele origin: germline.
Comment: In summary, the available evidence is currently insufficient to determine the role of this variant in disease. Therefore, it has been classified as a Variant of Uncertain Significance. Algorithms developed to predict the effect of missense changes on protein structure and function are either unavailable or do not agree on the potential impact of this missense change (SIFT: "Deleterious"; PolyPhen-2: "Benign"; Align-GVGD: "Class C25"). This variant has not been reported in the literature in individuals affected with RP1-related conditions. This variant is present in population databases (no rsID available, gnomAD 0.007%). This sequence change replaces arginine, which is basic and polar, with threonine, which is neutral and polar, at codon 340 of the RP1 protein (p.Arg340Thr).

NM_006269.2(RP1):c.1019G>C (p.Arg340Thr)

Gene: RP1 (RP1 axonemal microtubule associated; plus strand). Cytogenetic location: 8q12.1.
Variant type: single nucleotide variant.
Coding change: c.1019G>C on transcript NM_006269.2 (MANE Select); coding-DNA position 1019, G replaced by C.
Protein change: p.Arg340Thr; replaces arginine 340 with threonine.
Molecular consequence: missense variant. On other transcripts: intron variant (1).
Genome position (GRCh38, 1-based): chr8:54,624,901, G>C. VCF-style: chr8-54624901-G-C. GRCh37 (hg19) VCF-style: chr8-55537461-G-C.
Other names: c.787+2613G>C (NM_001375654.1); short protein forms R340T.
Identifiers: ClinVar variation 2789266 (VCV002789266.3), dbSNP rs1466310345, ClinGen allele CA370989105.